The following is an entry in ClinVar:

NM_004655.4(AXIN2):c.2021C>T (p.Pro674Leu)

Gene: AXIN2 (axin 2; minus strand). Cytogenetic location: 17q24.1.
Variant type: single nucleotide variant.
Coding change: c.2021C>T on transcript NM_004655.4 (MANE Select); coding-DNA position 2021, C replaced by T.
Protein change: p.Pro674Leu; replaces proline 674 with leucine.
Molecular consequence: missense variant.
Genome position (GRCh38, 1-based): chr17:65,536,440, G>A on the plus strand (C>T on the coding strand, the complement: AXIN2 is on the minus strand). VCF-style: chr17-65536440-G-A. GRCh37 (hg19) VCF-style: chr17-63532558-G-A.
Other names: c.2021C>T (LRG_296t1); c.1826C>T, p.Pro609Leu (NM_001363813.1); short protein forms P674L, P609L.
Identifiers: ClinVar variation 533157 (VCV000533157.18), dbSNP rs1341498392, ClinGen allele CA400676142.
Genomic context (GRCh38, chr17:65,536,440, plus strand): 5'-AGCGTGTTGGGTGGGGTCAGGGGAGGCATCGCAGGGTCCTGGGTGAACAGGTGGGCACGG[G>A]GGGTGGTGCGGGGGTGCCCGCTGTTGCCCCCCCACAGATGGTGCCGGCTGGCTCGTTCGC-3'
Protein context (NP_004646.3, residues 664-684): GGNSGHPRTT[Pro674Leu]RAHLFTQDPA

ClinVar aggregate classification (germline): Conflicting classifications of pathogenicity. Review status: criteria provided, conflicting classifications (1 of 4 stars). 5 submissions from 5 submitters: Uncertain significance (4); Benign (1). Last evaluated 2026-01-27.

Conditions:
Colorectal cancer. Also called: Colorectal cancer, somatic; Malignant Colorectal Neoplasm. Identifiers: MedGen C0346629, MONDO:0005575, OMIM 114500.
Oligodontia-cancer predisposition syndrome. Also called: TOOTH AGENESIS-COLORECTAL CANCER SYNDROME. Identifiers: Orphanet 300576, MedGen C1837750, MONDO:0012075, OMIM 608615. Disease mechanism: loss of function.
Hereditary cancer-predisposing syndrome. Also called: Hereditary neoplastic syndrome; Neoplastic Syndromes, Hereditary; Tumor predisposition; Hereditary Cancer Syndrome. Identifiers: Orphanet 140162, MedGen C0027672, MeSH D009386, MONDO:0015356.

Allele frequency attached by ClinVar (database versions not stated): gnomAD exomes 0.00002; gnomAD 0.00003; TOPMed 0.00003.
gnomAD v4.1: 23 of 1,601,374 alleles (0.0014%); highest among the groups gnomAD compares: Admixed American, 0.0084%; no homozygotes.

Submissions (5):

Labcorp Genetics (formerly Invitae), Labcorp
Classification: Uncertain significance for Oligodontia-cancer predisposition syndrome. Last evaluated: 2026-01-27. Review status: criteria provided, single submitter. Criteria: Invitae Variant Classification Sherloc (09022015). Collection method: clinical testing. Allele origin: germline.
Comment: This sequence change replaces proline, which is neutral and non-polar, with leucine, which is neutral and non-polar, at codon 674 of the AXIN2 protein (p.Pro674Leu). This variant is present in population databases (no rsID available, gnomAD 0.01%). This variant has not been reported in the literature in individuals affected with AXIN2-related conditions. ClinVar contains an entry for this variant (Variation ID: 533157). Invitae Evidence Modeling of protein sequence and biophysical properties (such as structural, functional, and spatial information, amino acid conservation, physicochemical variation, residue mobility, and thermodynamic stability) indicates that this missense variant is not expected to disrupt AXIN2 protein function with a negative predictive value of 80%. In summary, the available evidence is currently insufficient to determine the role of this variant in disease. Therefore, it has been classified as a Variant of Uncertain Significance.

Quest Diagnostics Nichols Institute San Juan Capistrano
Classification: Uncertain significance. Last evaluated: 2025-03-26. Review status: criteria provided, single submitter. Criteria: Quest Diagnostics criteria. Collection method: clinical testing. Allele origin: unknown.
Comment: The AXIN2 c.2021C>T (p.Pro674Leu) variant has not been reported in individuals with AXIN2-related conditions in the published literature. The frequency of this variant in the general population (Genome Aggregation Database) is higher than would generally be expected for pathogenic variants in this gene. Analysis of this variant using bioinformatics tools for the prediction of the effect of amino acid changes on protein structure and function yielded predictions that this variant is benign. Based on the available information, we are unable to determine the clinical significance of this variant.

Fulgent Genetics
Classification: Uncertain significance for Colorectal cancer; Oligodontia-cancer predisposition syndrome. Last evaluated: 2024-05-29. Review status: criteria provided, single submitter. Criteria: ACMG Guidelines, 2015. Collection method: clinical testing. Allele origin: germline.

Ambry Genetics
Classification: Benign for Hereditary cancer-predisposing syndrome. Last evaluated: 2024-01-16. Review status: criteria provided, single submitter. Criteria: Ambry Variant Classification Scheme 2023. Collection method: clinical testing. Allele origin: germline.

Women's Health and Genetics/Laboratory Corporation of America, LabCorp
Classification: Uncertain significance. Last evaluated: 2019-07-10. Review status: criteria provided, single submitter. Criteria: LabCorp Variant Classification Summary - May 2015. Collection method: clinical testing. Allele origin: germline.
Comment: Variant summary: AXIN2 c.2021C>T (p.Pro674Leu) results in a non-conservative amino acid change in the encoded protein sequence. Four of five in-silico tools predict a benign effect of the variant on protein function. The variant allele was found at a frequency of 1.6e-05 in 244392 control chromosomes (gnomAD). The available data on variant occurrences in the general population are insufficient to allow any conclusion about variant significance. To our knowledge, no occurrence of c.2021C>T in individuals affected with Colorectal Cancer and no experimental evidence demonstrating its impact on protein function have been reported. A ClinVar submission (evaluation after 2014) cites the variant as uncertain significance. Based on the evidence outlined above, the variant was classified as uncertain significance.